The following is an entry in ClinVar:

NM_032242.4(PLXNA1):c.3516+7C>T

Gene: PLXNA1 (plexin A1; plus strand). Cytogenetic location: 3q21.3.
Variant type: single nucleotide variant.
Coding change: c.3516+7C>T on transcript NM_032242.4 (MANE Select); 7 bases into the intron after coding-DNA position 3516, C replaced by T.
Molecular consequence: intron variant.
Genome position (GRCh38, 1-based): chr3:127,017,671, C>T. VCF-style: chr3-127017671-C-T. GRCh37 (hg19) VCF-style: chr3-126736514-C-T.
Identifiers: ClinVar variation 5000061 (VCV005000061.1).

ClinVar aggregate classification (germline): Likely benign (1 of 4 stars; one submission).

Conditions:
PLXNA1-related disorder. Also called: PLXNA1-related condition.

gnomAD v4.1: 2 of 1,613,294 alleles (0.00012%); highest among the groups gnomAD compares: Non-Finnish European, 0.00017%; no homozygotes.

Submission:

PreventionGenetics, part of Exact Sciences
Classification: Likely benign for PLXNA1-related condition. Last evaluated: 2025-03-05. Review status: criteria provided, single submitter. Criteria: ACMG Guidelines, 2015. Collection method: clinical testing. Allele origin: germline.
Comment: This variant is classified as likely benign based on ACMG/AMP sequence variant interpretation guidelines (Richards et al. 2015 PMID: 25741868, with internal and published modifications).